The following is an entry in ClinVar:

ClinVar aggregate classification (germline): Benign/Likely benign. Review status: criteria provided, multiple submitters, no conflicts (2 of 4 stars). 3 submissions from 3 submitters: Benign (1); Likely benign (2). Last evaluated 2025-03-24.

Conditions:
Juvenile polyposis syndrome (JPS). Identifiers: Orphanet 2929, MedGen C0345893, MONDO:0017380, OMIM 174900.
Hereditary cancer-predisposing syndrome. Also called: Hereditary Cancer Syndrome; Neoplastic Syndromes, Hereditary; Hereditary neoplastic syndrome; Tumor predisposition. Identifiers: Orphanet 140162, MedGen C0027672, MeSH D009386, MONDO:0015356.
Familial thoracic aortic aneurysm and aortic dissection (TAAD). Also called: Thoracic aortic aneurysms and dissections. Identifiers: Orphanet 91387, MedGen C4707243, MONDO:0019625.
Juvenile polyposis/hereditary hemorrhagic telangiectasia syndrome (JPHT). Also called: JP/HHT SYNDROME; JUVENILE POLYPOSIS WITH HEREDITARY HEMORRHAGIC TELANGIECTASIA; POLYPOSIS, GENERALIZED JUVENILE, WITH PULMONARY ARTERIOVENOUS MALFORMATION; TELANGIECTASIA, HEREDITARY HEMORRHAGIC, WITH JUVENILE POLYPOSIS COLI; Juvenile Polyposis Syndrome / Hereditary Hemorrhagic Telangiectasia (JPS/HHT). Identifiers: Orphanet 2929, MedGen C1832942, MONDO:0008278, OMIM 175050.

Submissions (3):

Myriad Genetics, Inc.
Classification: Benign for Juvenile polyposis/hereditary hemorrhagic telangiectasia syndrome. Last evaluated: 2025-03-24. Review status: criteria provided, single submitter. Criteria: Myriad Autosomal Dominant, Autosomal Recessive and X-Linked Classification Criteria (2023). Collection method: clinical testing. Allele origin: unknown.
Comment: This variant is considered benign. This variant is a silent/synonymous amino acid change and it is not expected to impact splicing.

Ambry Genetics
Classification: Likely benign for Hereditary cancer-predisposing syndrome; Familial thoracic aortic aneurysm and aortic dissection. Last evaluated: 2024-07-01. Review status: criteria provided, single submitter. Criteria: Ambry Variant Classification Scheme 2023. Collection method: clinical testing. Allele origin: germline.

Labcorp Genetics (formerly Invitae), Labcorp
Classification: Likely benign for Juvenile polyposis syndrome. Last evaluated: 2019-02-12. Review status: criteria provided, single submitter. Criteria: Invitae Variant Classification Sherloc (09022015). Collection method: clinical testing. Allele origin: germline.

NM_005359.6(SMAD4):c.1656C>T (p.Asp552=)

Gene: SMAD4 (SMAD family member 4; plus strand). Cytogenetic location: 18q21.2.
Variant type: single nucleotide variant.
Coding change: c.1656C>T on transcript NM_005359.6 (MANE Select); coding-DNA position 1656, C replaced by T.
Protein change: p.Asp552=; no amino-acid change (aspartic acid 552 retained).
Molecular consequence: synonymous variant.
Genome position (GRCh38, 1-based): chr18:51,078,464, C>T. VCF-style: chr18-51078464-C-T. GRCh37 (hg19) VCF-style: chr18-48604834-C-T.
Other names: c.1656C>T (NM_005359.5).
Identifiers: ClinVar variation 1147964 (VCV001147964.11), dbSNP rs2144479886, ClinGen allele CA503874078.